The following is an entry in ClinVar:

NM_001123385.2(BCOR):c.578A>G (p.Asn193Ser)

Genes: BCOR (BCL6 corepressor; minus strand), LOC126863239 (MED14-independent group 3 enhancer GRCh37_chrX:39932994-39934193; plus strand). Cytogenetic location: Xp11.4.
Variant type: single nucleotide variant.
Coding change: c.578A>G on transcript NM_001123385.2 (MANE Select); coding-DNA position 578, A replaced by G.
Protein change: p.Asn193Ser; replaces asparagine 193 with serine.
Molecular consequence: missense variant.
Genome position (GRCh38, 1-based): chrX:40,074,768, T>C on the plus strand (A>G on the coding strand, the complement: BCOR is on the minus strand). VCF-style: chrX-40074768-T-C. GRCh37 (hg19) VCF-style: chrX-39934021-T-C.
Other names: c.578A>G, p.Asn193Ser (NM_001123383.2, NM_001123384.2, NM_017745.6); short protein forms N193S.
Identifiers: ClinVar variation 1441573 (VCV001441573.7), dbSNP rs1259098035, ClinGen allele CA412748438.

ClinVar aggregate classification (germline): Uncertain significance. Review status: criteria provided, multiple submitters, no conflicts (2 of 4 stars). 2 submissions from 2 submitters: Uncertain significance (2). Last evaluated 2024-10-04.

Conditions:
Inborn genetic diseases. Identifiers: MedGen C0950123, MeSH D030342.
Oculofaciocardiodental syndrome (MCOPS2). Identifiers: Orphanet 2712, MedGen C1846265, MONDO:0010261, OMIM 300166.

Allele frequency attached by ClinVar (database versions not stated): gnomAD exomes below 0.00001 and 0.00001.
gnomAD v4.1: 4 of 1,211,584 alleles (0.00033%); highest among the groups gnomAD compares: South Asian, 0.0053%; no homozygotes.

Submissions (2):

Ambry Genetics
Classification: Uncertain significance for Inborn genetic diseases. Last evaluated: 2024-10-04. Review status: criteria provided, single submitter. Criteria: Ambry Variant Classification Scheme 2023. Collection method: clinical testing. Allele origin: germline.

Labcorp Genetics (formerly Invitae), Labcorp
Classification: Uncertain significance for Oculofaciocardiodental syndrome. Last evaluated: 2022-05-27. Review status: criteria provided, single submitter. Criteria: Invitae Variant Classification Sherloc (09022015). Collection method: clinical testing. Allele origin: germline.
Comment: In summary, the available evidence is currently insufficient to determine the role of this variant in disease. Therefore, it has been classified as a Variant of Uncertain Significance. Algorithms developed to predict the effect of sequence changes on RNA splicing suggest that this variant may create or strengthen a splice site. Algorithms developed to predict the effect of missense changes on protein structure and function output the following: SIFT: "Deleterious"; PolyPhen-2: "Benign"; Align-GVGD: "Class C45". The serine amino acid residue is found in multiple mammalian species, which suggests that this missense change does not adversely affect protein function. This variant has not been reported in the literature in individuals affected with BCOR-related conditions. This variant is present in population databases (no rsID available, gnomAD 0.01%). This sequence change replaces asparagine, which is neutral and polar, with serine, which is neutral and polar, at codon 193 of the BCOR protein (p.Asn193Ser).